The following is an entry in ClinVar:

ClinVar aggregate classification (germline): Likely pathogenic (1 of 4 stars; one submission).

Conditions:
PJVK-related disorder. Also called: PJVK-related condition.

Submission:

PreventionGenetics, part of Exact Sciences
Classification: Likely pathogenic for PJVK-related condition. Last evaluated: 2026-09-21. Review status: criteria provided, single submitter. Criteria: ACMG Guidelines, 2015. Collection method: clinical testing. Allele origin: germline.
Comment: The PJVK c.819_825del7 variant is predicted to result in a frameshift and premature protein termination (p.Phe274Thrfs*9). To our knowledge, this variant has not been reported in the literature or in a large population database (gnomAD), indicating this variant is rare. Frameshift variants in PJVK are expected to be pathogenic. This variant is interpreted as likely pathogenic.

NM_001042702.5(PJVK):c.819_825del (p.Phe274fs)

Gene: PJVK (pejvakin; plus strand). Cytogenetic location: 2q31.2.
Variant type: Deletion.
Coding change: c.819_825del on transcript NM_001042702.5 (MANE Select); coding-DNA positions 819 to 825, 7 bases deleted (TTTTTCT; older notation c.819_825delTTTTTCT).
Protein change: p.Phe274fs; shifts the reading frame from phenylalanine 274.
Molecular consequence: frameshift variant.
Genome position (GRCh38, 1-based): chr2:178,461,034-178,461,040, TTTTTCT deleted; deleting any 7 consecutive bases within chr2:178,461,031-178,461,040 gives the same sequence; the c. name uses the placement nearest the transcript's 3' end. VCF-style (leftmost placement, unchanged base first): chr2-178461030-ATCTTTTT-A. GRCh37 (hg19) VCF-style: chr2-179325757-ATCTTTTT-A.
Other names: c.828_834del, p.Phe277fs (NM_001353775.2); c.825_831del, p.Phe276fs (NM_001353776.2); c.342_348del, p.Phe115fs (NM_001353777.1, NM_001353778.2); c.819_825del, p.Phe274fs (NM_001369912.1); short protein forms F115fs, F274fs, F276fs, F277fs.
Identifiers: ClinVar variation 3344336 (VCV003344336.2).